The following is an entry in ClinVar:

NM_001375905.1(SGMS2):c.286del (p.Val95_Met96insTer)

Genes: CYP2U1-AS1 (CYP2U1 and SGMS2 antisense RNA 1; minus strand), SGMS2 (sphingomyelin synthase 2; plus strand). Cytogenetic location: 4q25.
Variant type: Deletion.
Coding change: c.286del on transcript NM_001375905.1 (MANE Select); coding-DNA position 286, one base deleted (A; older notation c.286delA).
Protein change: p.Val95_Met96insTer.
Molecular consequence: nonsense. On other transcripts: intron variant (1).
Genome position (GRCh38, 1-based): chr4:107,895,839, A deleted. VCF-style (leftmost placement, unchanged base first): chr4-107895838-CA-C. GRCh37 (hg19) VCF-style: chr4-108816994-CA-C.
Other names: c.286del, p.Val95_Met96insTer (NM_001136257.2, NM_001136258.2, NM_001375906.1 and 4 more transcripts); c.-64-3736del (NM_001375911.1).
Identifiers: ClinVar variation 4733030 (VCV004733030.1).

ClinVar aggregate classification (germline): Uncertain significance (1 of 4 stars; one submission).

Submission:

Labcorp Genetics (formerly Invitae), Labcorp
Classification: Uncertain significance. Last evaluated: 2025-12-11. Review status: criteria provided, single submitter. Criteria: Invitae Variant Classification Sherloc (09022015). Collection method: clinical testing. Allele origin: germline.
Comment: This sequence change creates a premature translational stop signal (p.Met96*) in the SGMS2 gene. It is expected to result in an absent or disrupted protein product. However, the current clinical and genetic evidence is not sufficient to establish whether loss-of-function variants in SGMS2 cause disease. This variant is not present in population databases (gnomAD no frequency). This variant has not been reported in the literature in individuals affected with SGMS2-related conditions. In summary, the available evidence is currently insufficient to determine the role of this variant in disease. Therefore, it has been classified as a Variant of Uncertain Significance.